The following is an entry in ClinVar:

NM_017780.4(CHD7):c.4850+2_4850+9del

Gene: CHD7 (chromodomain helicase DNA binding protein 7; plus strand). Cytogenetic location: 8q12.2.
Variant type: Deletion.
Coding change: c.4850+2_4850+9del on transcript NM_017780.4 (MANE Select); the canonical splice donor site of the intron after coding-DNA position 4850 through 9 bases into the intron after coding-DNA position 4850, 8 bases deleted (TAAGTAGG; older notation c.4850+2_4850+9delTAAGTAGG).
Molecular consequence: splice donor variant. On other transcripts: intron variant (1).
Genome position (GRCh38, 1-based): chr8:60,842,054-60,842,061, TAAGTAGG deleted; deleting any 8 consecutive bases within chr8:60,842,052-60,842,061 gives the same sequence; the c. name uses the placement nearest the transcript's 3' end. VCF-style (leftmost placement, unchanged base first): chr8-60842051-GGGTAAGTA-G. GRCh37 (hg19) VCF-style: chr8-61754610-GGGTAAGTA-G.
Other names: c.1717-20175_1717-20168del (NM_001316690.1).
Identifiers: ClinVar variation 4819028 (VCV004819028.1).
Genomic context (GRCh38, chr8:60,842,051, plus strand): 5'-AAGTCACAGGGCTATGCAAGGAGTGAATGTTTCAGGGTGGAGAAGAATCTGCTTGTCTAT[GGGTAAGTA>G]GGACTCACTACGTAAGATAGAATTTTATTGTAACAGTAGTTAGAATTCCCAACTGGTAGA-3'

ClinVar aggregate classification (germline): Pathogenic (1 of 4 stars; one submission).

Conditions:
CHD7-related CHARGE syndrome. Identifiers: MedGen CN380413, MONDO:1010178, OMIM 214800.

Submission:

Victorian Clinical Genetics Services, Murdoch Childrens Research Institute
Classification: Pathogenic for CHD7-related CHARGE syndrome. Last evaluated: 2025-12-15. Review status: criteria provided, single submitter. Criteria: ACMG Guidelines, 2015. Collection method: clinical testing. Allele origin: germline. Affected: yes.
Comment: This variant is classified as Pathogenic. Evidence in support of pathogenic classification: Canonical splice site variant without proven consequence on splicing (no functional evidence available); Variant is absent from gnomAD (v2, v3 and v4); Other splice variant(s) comparable to the one identified in this case have strong previous evidence for pathogenicity. c.4850+1G>A, c.4850+2T>A and c.4850+1dup have been reported in the literature in individuals with CHARGE syndrome (PMIDs: 22461308, 16400610, 32625235); Abnormal splicing is predicted by in silico tool and affected nucleotide is highly conserved; Additional information: This variant is heterozygous; This gene is associated with autosomal dominant disease; This variant has no previous evidence of pathogenicity; No published evidence of segregation with disease has been identified for this variant; No published functional evidence has been identified for this variant; Loss of function is a known mechanism of disease in this gene and is associated with CHARGE syndrome (MIM#214800) and hypogonadotropic hypogonadism 5 with or without anosmia (MIM#612370); Variants in this gene are known to have variable expressivity (PMID: 20301296).

Literature cited by the submitters: PubMed 32625235; PubMed 22461308; PubMed 20301296; PubMed 16400610.